The following is an entry in ClinVar:

ClinVar aggregate classification (germline): Benign. Review status: criteria provided, multiple submitters, no conflicts (2 of 4 stars). 2 submissions from 2 submitters: Benign (2). Last evaluated 2025-10-22.

Conditions:
Microphthalmia with brain and digit anomalies (MCOPS6). Also called: Microphthalmia, syndromic 6; MICROPHTHALMIA AND PITUITARY ANOMALIES. Identifiers: Orphanet 139471, MedGen C1864689, MONDO:0011936, OMIM 607932.
Orofacial cleft 11 (OFC11). Also called: Orofacial cleft 11; ofc11; CLEFT LIP WITH OR WITHOUT CLEFT PALATE, NONSYNDROMIC, 11. Identifiers: MedGen C2677434, MONDO:0010906, OMIM 600625.

Allele frequency attached by ClinVar (database versions not stated): TOPMed 0.48002; 1000 Genomes Project 0.48303.

Submissions (2):

Labcorp Genetics (formerly Invitae), Labcorp
Classification: Benign for Microphthalmia with brain and digit anomalies; Orofacial cleft 11. Last evaluated: 2025-10-22. Review status: criteria provided, single submitter. Criteria: Invitae Variant Classification Sherloc (09022015). Collection method: clinical testing. Allele origin: germline.

GeneDx
Classification: Benign. Last evaluated: 2018-06-26. Review status: criteria provided, single submitter. Criteria: GeneDx Variant Classification Process June 2021. Collection method: clinical testing. Allele origin: germline. Affected: yes.
Comment: This variant is associated with the following publications: (PMID: 27379672)

NM_001202.6(BMP4):c.-7-159T>G

Gene: BMP4 (bone morphogenetic protein 4; minus strand). Cytogenetic location: 14q22.2.
Variant type: single nucleotide variant.
Coding change: c.-7-159T>G on transcript NM_001202.6 (MANE Select); 159 bases into the intron before 7 bases upstream of the start codon, T replaced by G.
Molecular consequence: intron variant.
Genome position (GRCh38, 1-based): chr14:53,952,388, A>C on the plus strand (T>G on the coding strand, the complement: BMP4 is on the minus strand). VCF-style: chr14-53952388-A-C. GRCh37 (hg19) VCF-style: chr14-54419106-A-C.
Other names: c.188-212T>G (NM_001347912.1); c.-7-159T>G (NM_130850.5, NM_001347916.1, NM_130851.4 and 1 more transcripts); c.-143-212T>G (NM_001347913.2, NM_001347917.1, NM_001347915.2).
Identifiers: ClinVar variation 1167992 (VCV001167992.9), dbSNP rs35107139, ClinGen allele CA16490250.